The following is an entry in ClinVar:

NM_006205.3(PDE6H):c.9C>G (p.Asp3Glu)

Gene: PDE6H (phosphodiesterase 6H; plus strand). Cytogenetic location: 12p12.3.
Variant type: single nucleotide variant.
Coding change: c.9C>G on transcript NM_006205.3 (MANE Select); coding-DNA position 9, C replaced by G.
Protein change: p.Asp3Glu; replaces aspartic acid 3 with glutamic acid.
Molecular consequence: missense variant.
Genome position (GRCh38, 1-based): chr12:14,978,021, C>G. VCF-style: chr12-14978021-C-G. GRCh37 (hg19) VCF-style: chr12-15130955-C-G.
Other names: short protein forms D3E.
Identifiers: ClinVar variation 1914873 (VCV001914873.6), dbSNP rs754518856, ClinGen allele CA6465832.

ClinVar aggregate classification (germline): Uncertain significance. Review status: criteria provided, multiple submitters, no conflicts (2 of 4 stars). 2 submissions from 2 submitters: Uncertain significance (2). Last evaluated 2022-03-22.

Allele frequency attached by ClinVar (database versions not stated): ExAC 0.00001; gnomAD 0.00001; gnomAD exomes 0.00002; TOPMed 0.00002.

Submissions (2):

Labcorp Genetics (formerly Invitae), Labcorp
Classification: Uncertain significance. Last evaluated: 2022-03-22. Review status: criteria provided, single submitter. Criteria: Invitae Variant Classification Sherloc (09022015). Collection method: clinical testing. Allele origin: germline.
Comment: Algorithms developed to predict the effect of missense changes on protein structure and function (SIFT, PolyPhen-2, Align-GVGD) all suggest that this variant is likely to be tolerated. This variant has not been reported in the literature in individuals affected with PDE6H-related conditions. This variant is present in population databases (rs754518856, gnomAD 0.002%). This sequence change replaces aspartic acid, which is acidic and polar, with glutamic acid, which is acidic and polar, at codon 3 of the PDE6H protein (p.Asp3Glu). In summary, the available evidence is currently insufficient to determine the role of this variant in disease. Therefore, it has been classified as a Variant of Uncertain Significance.

Blueprint Genetics
Classification: Uncertain significance. Last evaluated: 2019-04-24. Review status: criteria provided, single submitter. Criteria: ACMG Guidelines, 2015. Collection method: clinical testing. Allele origin: germline.